The following is an entry in ClinVar:

ClinVar aggregate classification (germline): Likely pathogenic (1 of 4 stars; one submission).

Conditions:
Developmental and epileptic encephalopathy, 81. Also called: EPILEPTIC ENCEPHALOPATHY, EARLY INFANTILE, 81. Identifiers: MedGen C5231450, MONDO:0032858, OMIM 618663.

Submission:

OLLIN Analises Genomicas, OLLIN
Classification: Likely pathogenic for Developmental and epileptic encephalopathy, 81. Last evaluated: 2026-08-06. Review status: criteria provided, single submitter. Criteria: ACMG Guidelines 2015 PMID 25741868. Collection method: clinical testing. Allele origin: germline. Inheritance: Autosomal dominant inheritance.
Comment: This frameshift variant, located in exon 18 (of 44), is absent from gnomAD and ClinVar and has not been identified in the literature. This variant causes a frameshift and introduces a premature stop codon, which is predicted to result in either a truncated protein or degradation of the mRNA via nonsense-mediated decay (NMD). According to the currently available evidence, this variant has been classified as likely pathogenic (PVS1, PM2_P).

NM_001378457.1(DMXL2):c.3859_3862del (p.Ser1287fs)

Gene: DMXL2 (Dmx like 2; minus strand). Cytogenetic location: 15q21.2.
Variant type: Deletion.
Coding change: c.3859_3862del on transcript NM_001378457.1 (MANE Select); coding-DNA positions 3859 to 3862, 4 bases deleted (AGTT; older notation c.3859_3862delAGTT).
Protein change: p.Ser1287fs; shifts the reading frame from serine 1287.
Molecular consequence: frameshift variant. On other transcripts: non-coding transcript variant (2), intron variant (2).
Genome position (GRCh38, 1-based): chr15:51,499,362-51,499,365, AACT deleted on the plus strand (AGTT on the coding strand, the reverse complement: DMXL2 is on the minus strand); deleting any 4 consecutive bases within chr15:51,499,362-51,499,366 gives the same sequence; the c. name uses the placement nearest the transcript's 3' end. VCF-style (leftmost placement, unchanged base first): chr15-51499361-GAACT-G. GRCh37 (hg19) VCF-style: chr15-51791558-GAACT-G.
Other names: c.3859_3862del, p.Ser1287fs (NM_001174116.3, NM_001378458.1, NM_001378459.1 and 4 more transcripts); c.3619_3622del, p.Ser1207fs (NM_001378464.1); c.2765-7618_2765-7615del (NM_001378460.1); c.2765-4231_2765-4228del (NM_001174117.3); short protein forms S1207fs, S1287fs.
Identifiers: ClinVar variation 5002719 (VCV005002719.1).